The following is an entry in ClinVar:

Single allele

Gene: DMD (dystrophin; minus strand). Cytogenetic location: Xp21.1.
Variant type: Deletion.
Identifiers: ClinVar variation 374332 (VCV000374332.2).

ClinVar aggregate classification (germline): Pathogenic (0 of 4 stars; one submission).

Conditions:
Becker muscular dystrophy (BMD). Also called: MUSCULAR DYSTROPHY, PSEUDOHYPERTROPHIC PROGRESSIVE, BECKER TYPE; Becker Muscular Dystrophy (BMD). Identifiers: Orphanet 98895, MedGen C0917713, MONDO:0010311, OMIM 300376.
Duchenne muscular dystrophy (DMD). Also called: MUSCULAR DYSTROPHY, PSEUDOHYPERTROPHIC PROGRESSIVE, DUCHENNE TYPE; Duchenne Muscular Dystrophy (DMD). Identifiers: Orphanet 98896, MedGen C0013264, MONDO:0010679, OMIM 310200.

Submission:

Baylor Genetics
Classification: Pathogenic for Duchenne muscular dystrophy; Becker muscular dystrophy. Last evaluated: 2015-09-05. Review status: no assertion criteria provided. Collection method: clinical testing. Allele origin: germline. Inheritance: X-linked inheritance. Affected: yes. Observed: 1 variant allele, 1 hemizygote.